The following is an entry in ClinVar:

NM_001330078.2(NRXN1):c.85A>C (p.Ser29Arg)

Gene: NRXN1 (neurexin 1; minus strand). Cytogenetic location: 2p16.3.
Variant type: single nucleotide variant.
Coding change: c.85A>C on transcript NM_001330078.2 (MANE Select); coding-DNA position 85, A replaced by C.
Protein change: p.Ser29Arg; replaces serine 29 with arginine.
Molecular consequence: missense variant.
Genome position (GRCh38, 1-based): chr2:51,028,189, T>G on the plus strand (A>C on the coding strand, the complement: NRXN1 is on the minus strand). VCF-style: chr2-51028189-T-G. GRCh37 (hg19) VCF-style: chr2-51255327-T-G.
Other names: c.85A>C, p.Ser29Arg (NM_001330082.2, NM_001330083.2, NM_001330084.2 and 15 more transcripts); short protein forms S29R.
Identifiers: ClinVar variation 2847576 (VCV002847576.3), dbSNP rs1670913788, ClinGen allele CA346824746.

ClinVar aggregate classification (germline): Uncertain significance (1 of 4 stars; one submission).

Conditions:
Pitt-Hopkins-like syndrome 2 (PTHSL2). Identifiers: Orphanet 221150, Orphanet 600663, MedGen C3280479, MONDO:0013690, OMIM 614325.

Allele frequency attached by ClinVar (database versions not stated): gnomAD 0.00001.
gnomAD v4.1: 1 of 1,503,188 alleles (0.000067%); highest among the groups gnomAD compares: Admixed American, 0.0021%; no homozygotes.

Submission:

Labcorp Genetics (formerly Invitae), Labcorp
Classification: Uncertain significance for Pitt-Hopkins-like syndrome 2. Last evaluated: 2024-12-04. Review status: criteria provided, single submitter. Criteria: Invitae Variant Classification Sherloc (09022015). Collection method: clinical testing. Allele origin: germline.
Comment: This sequence change replaces serine, which is neutral and polar, with arginine, which is basic and polar, at codon 29 of the NRXN1 protein (p.Ser29Arg). This variant is not present in population databases (gnomAD no frequency). This variant has not been reported in the literature in individuals affected with NRXN1-related conditions. ClinVar contains an entry for this variant (Variation ID: 2847576). An algorithm developed to predict the effect of missense changes on protein structure and function (PolyPhen-2) suggests that this variant is likely to be tolerated. In summary, the available evidence is currently insufficient to determine the role of this variant in disease. Therefore, it has been classified as a Variant of Uncertain Significance.